The following is an entry in ClinVar:

NM_006663.4(PPP1R13L):c.1075C>T (p.Pro359Ser)

Gene: PPP1R13L (protein phosphatase 1 regulatory subunit 13 like; minus strand). Cytogenetic location: 19q13.32.
Variant type: single nucleotide variant.
Coding change: c.1075C>T on transcript NM_006663.4 (MANE Select); coding-DNA position 1075, C replaced by T.
Protein change: p.Pro359Ser; replaces proline 359 with serine.
Molecular consequence: missense variant.
Genome position (GRCh38, 1-based): chr19:45,395,715, G>A on the plus strand (C>T on the coding strand, the complement: PPP1R13L is on the minus strand). VCF-style: chr19-45395715-G-A. GRCh37 (hg19) VCF-style: chr19-45898973-G-A.
Other names: c.1075C>T, p.Pro359Ser (NM_001142502.2); short protein forms P359S.
Identifiers: ClinVar variation 2354624 (VCV002354624.5), dbSNP rs779057846, ClinGen allele CA9514438.

ClinVar aggregate classification (germline): Conflicting classifications of pathogenicity. Review status: criteria provided, conflicting classifications (1 of 4 stars). 2 submissions from 2 submitters: Uncertain significance (1); Likely benign (1). Last evaluated 2025-08-09.

Conditions:
Inborn genetic diseases. Identifiers: MedGen C0950123, MeSH D030342.

gnomAD v4.1: 26 of 1,487,256 alleles (0.0017%); highest among the groups gnomAD compares: Admixed American, 0.016%; no homozygotes.

Submissions (2):

Ambry Genetics
Classification: Uncertain significance for Inborn genetic diseases. Last evaluated: 2025-08-09. Review status: criteria provided, single submitter. Criteria: Ambry Variant Classification Scheme 2023. Collection method: clinical testing. Allele origin: germline.

Molecular Diagnostic Laboratory for Inherited Cardiovascular Disease, Montreal Heart Institute
Classification: Likely benign. Last evaluated: 2025-07-24. Review status: criteria provided, single submitter. Criteria: ACMG Guidelines, 2015. Collection method: clinical testing. Allele origin: germline. Affected: no.
Comment: BS1;BP4